The following is an entry in ClinVar:

ClinVar aggregate classification (germline): Uncertain significance. Review status: criteria provided, multiple submitters, no conflicts (2 of 4 stars). 4 submissions from 4 submitters: Uncertain significance (4). Last evaluated 2023-05-16.

Conditions:
Fabry disease. Also called: Ceramide trihexosidosis; Fabry's disease; HEREDITARY DYSTOPIC LIPIDOSIS; Angiokeratoma corporis diffusum; ALPHA-GALACTOSIDASE A DEFICIENCY; ANDERSON-FABRY DISEASE. Identifiers: Orphanet 324, MedGen C0002986, MONDO:0010526, OMIM 301500, HP:0001071. Disease mechanism: Fabry disease is due to inactivating mutations in the X-linked GLA gene resulting in deficiency of the enzyme Alpha Galactosidase-A., loss of function.

Allele frequency attached by ClinVar (database versions not stated): gnomAD exomes below 0.00001; gnomAD 0.00001; TOPMed below 0.00001.
gnomAD v4.1: 2 of 1,207,088 alleles (0.00017%); highest among the groups gnomAD compares: Non-Finnish European, 0.00022%; no homozygotes.

Submissions (4):

All of Us Research Program, National Institutes of Health
Classification: Uncertain significance for Fabry disease. Last evaluated: 2023-05-16. Review status: criteria provided, single submitter. Criteria: ACMG Guidelines, 2015. Collection method: clinical testing. Allele origin: germline. Inheritance: X-linked inheritance. Observed: 1 variant allele, 1 homozygote.
Comment: This missense variant replaces tryptophan with leucine at codon 245 of the GLA protein. Computational prediction is inconclusive regarding the impact of this variant on protein structure and function (internally defined REVEL score threshold 0.5 < inconclusive < 0.7, PMID: 27666373). To our knowledge, functional studies have not been reported for this variant. This variant has not been reported in individuals affected with GLA-related disorders in the literature. This variant has not been identified in the general population by the Genome Aggregation Database (gnomAD). The available evidence is insufficient to determine the role of this variant in disease conclusively. Therefore, this variant is classified as a Variant of Uncertain Significance.

This study involves interpretation of variants in research participants for the purpose of population health screening. Participant phenotype was not available at the time of variant classification. Additional details can be found in publication PMID: 35346344, PMCID: PMC8962531

GeneDx
Classification: Uncertain significance. Last evaluated: 2023-03-15. Review status: criteria provided, single submitter. Criteria: GeneDx Variant Classification Process June 2021. Collection method: clinical testing. Allele origin: germline. Affected: yes.
Comment: Not observed at significant frequency in large population cohorts (gnomAD); In silico analysis supports that this missense variant has a deleterious effect on protein structure/function; Has not been previously published as pathogenic or benign to our knowledge

Fulgent Genetics
Classification: Uncertain significance for Fabry disease. Last evaluated: 2022-03-11. Review status: criteria provided, single submitter. Criteria: ACMG Guidelines, 2015. Collection method: clinical testing. Allele origin: unknown.

Eurofins Ntd Llc (ga)
Classification: Uncertain significance. Last evaluated: 2013-10-11. Review status: criteria provided, single submitter. Criteria: EGL Classification Definitions 2015. Collection method: clinical testing. Allele origin: germline. Observed: 1 variant allele, 1 heterozygote.

NM_000169.3(GLA):c.734G>T (p.Trp245Leu)

Genes: GLA (galactosidase alpha; minus strand), RPL36A-HNRNPH2 (RPL36A-HNRNPH2 readthrough; plus strand). Cytogenetic location: Xq22.1.
Variant type: single nucleotide variant.
Coding change: c.734G>T on transcript NM_000169.3 (MANE Select); coding-DNA position 734, G replaced by T.
Protein change: p.Trp245Leu; replaces tryptophan 245 with leucine.
Molecular consequence: missense variant. On other transcripts: non-coding transcript variant (3), intron variant (2).
Genome position (GRCh38, 1-based): chrX:101,398,852, C>A on the plus strand (G>T on the coding strand, the complement: GLA is on the minus strand). VCF-style: chrX-101398852-C-A. GRCh37 (hg19) VCF-style: chrX-100653840-C-A.
Other names: c.857G>T, p.Trp286Leu (NM_001406747.1); c.734G>T, p.Trp245Leu (NM_001406748.1); c.300+3395C>A (NM_001199973.2); c.177+7030C>A (NM_001199974.2); short protein forms W286L.
Identifiers: ClinVar variation 92565 (VCV000092565.9), dbSNP rs398123220, ClinGen allele CA022038.